The following is an entry in ClinVar:

NM_001009944.3(PKD1):c.9713-1G>C

Gene: PKD1 (polycystin 1, transient receptor potential channel interacting; minus strand). Cytogenetic location: 16p13.3.
Variant type: single nucleotide variant.
Coding change: c.9713-1G>C on transcript NM_001009944.3 (MANE Select); the canonical splice acceptor site of the intron before coding-DNA position 9713, G replaced by C.
Molecular consequence: splice acceptor variant.
Genome position (GRCh38, 1-based): chr16:2,100,072, C>G on the plus strand (G>C on the coding strand, the complement: PKD1 is on the minus strand). VCF-style: chr16-2100072-C-G. GRCh37 (hg19) VCF-style: chr16-2150073-C-G.
Other names: c.9713-1G>C (NM_000296.4).
Identifiers: ClinVar variation 4998637 (VCV004998637.1).

ClinVar aggregate classification (germline): Likely pathogenic (1 of 4 stars; one submission).

Conditions:
PKD1-related disorder. Also called: PKD1-related condition.

Submission:

PreventionGenetics, part of Exact Sciences
Classification: Likely pathogenic for PKD1-related condition. Last evaluated: 2025-03-29. Review status: criteria provided, single submitter. Criteria: ACMG Guidelines, 2015. Collection method: clinical testing. Allele origin: germline.
Comment: The PKD1 c.9713-1G>C variant is predicted to disrupt the AG splice acceptor site and interfere with normal splicing. To our knowledge, this variant has not been reported in the literature or in a large population database (gnomAD), indicating this variant is rare. Variants that disrupt the consensus splice acceptor site in PKD1 are expected to be pathogenic. Of note, the variants affecting the same splice acceptor site in this gene have been reported to be pathogenic for autosomal dominant polycystic kidney disease (ADPKD) (see for example, c.9713-1G>A in Vaisitti et al. 2020. PubMed ID: 33226606; c.9713-2A>G in Table S3, Carrera et al. 2016. PubMed ID: 27499327). The c.9713-1G>C variant is interpreted as likely pathogenic.